The following is an entry in ClinVar:

ClinVar aggregate classification (germline): Uncertain significance. Review status: criteria provided, multiple submitters, no conflicts (2 of 4 stars). 8 submissions from 8 submitters: Uncertain significance (6). 2 of the submissions do not count toward it. Last evaluated 2026-01-11.

Conditions:
PFKM-related disorder. Also called: PFKM-related condition.
Inborn genetic diseases. Identifiers: MedGen C0950123, MeSH D030342.
Glycogen storage disease, type VII (GSD7). Also called: GSD VII; MUSCLE PHOSPHOFRUCTOKINASE DEFICIENCY; PFKM DEFICIENCY; TARUI DISEASE. Identifiers: Orphanet 371, MedGen C0017926, MONDO:0009295, OMIM 232800.

Allele frequency attached by ClinVar (database versions not stated): ESP Exome Variant Server 0.00015; ExAC 0.00016; gnomAD 0.00026 and 0.00028; TOPMed 0.00021.
gnomAD v4.1: 736 of 1,613,988 alleles (0.046%); highest among the groups gnomAD compares: Non-Finnish European, 0.061%; 1 homozygote.

Submissions (8):

GeneDx
Classification: Uncertain significance. Last evaluated: 2026-01-11. Review status: criteria provided, single submitter. Criteria: GeneDx Variant Classification Process June 2021. Collection method: clinical testing. Allele origin: germline.
Comment: In silico analysis supports that this missense variant has a deleterious effect on protein structure/function; Has not been previously published as pathogenic or benign to our knowledge

ARUP Laboratories, Molecular Genetics and Genomics, ARUP Laboratories
Classification: Uncertain significance for Glycogen storage disease, type VII. Last evaluated: 2024-08-15. Review status: criteria provided, single submitter. Criteria: ARUP Molecular Germline Variant Investigation Process 2024. Collection method: clinical testing. Allele origin: germline.
Comment: The PFKM c.1727A>T; p.Tyr576Phe variant (rs370424471), to our knowledge, is not reported in the medical literature but is reported in ClinVar (Variation ID: 646354). This variant is found in the non-Finnish European population with an allele frequency of 0.04% (56/129,168 alleles) in the Genome Aggregation Database (v2.1.1). Computational analyses are uncertain whether this variant is neutral or deleterious (REVEL: 0.456). Due to limited information, the clinical significance of this variant is uncertain at this time.

Revvity Omics, Revvity
Classification: Uncertain significance for Glycogen storage disease, type VII. Last evaluated: 2024-06-18. Review status: criteria provided, single submitter. Criteria: ACMG Guidelines, 2015. Collection method: clinical testing. Allele origin: germline.

Ambry Genetics
Classification: Uncertain significance for Inborn genetic diseases. Last evaluated: 2024-02-02. Review status: criteria provided, single submitter. Criteria: Ambry Variant Classification Scheme 2023. Collection method: clinical testing. Allele origin: germline.

Labcorp Genetics (formerly Invitae), Labcorp
Classification: Uncertain significance for Glycogen storage disease, type VII. Last evaluated: 2022-10-15. Review status: criteria provided, single submitter. Criteria: Invitae Variant Classification Sherloc (09022015). Collection method: clinical testing. Allele origin: germline.
Comment: This sequence change replaces tyrosine, which is neutral and polar, with phenylalanine, which is neutral and non-polar, at codon 576 of the PFKM protein (p.Tyr576Phe). This variant is present in population databases (rs370424471, gnomAD 0.04%). This variant has not been reported in the literature in individuals affected with PFKM-related conditions. ClinVar contains an entry for this variant (Variation ID: 646354). Advanced modeling of protein sequence and biophysical properties (such as structural, functional, and spatial information, amino acid conservation, physicochemical variation, residue mobility, and thermodynamic stability) performed at Invitae indicates that this missense variant is not expected to disrupt PFKM protein function. In summary, the available evidence is currently insufficient to determine the role of this variant in disease. Therefore, it has been classified as a Variant of Uncertain Significance.

Baylor Genetics
Classification: Uncertain significance for Glycogen storage disease, type VII. Last evaluated: 2019-01-02. Review status: criteria provided, single submitter. Criteria: ACMG Guidelines, 2015. Collection method: clinical testing. Allele origin: maternal. Affected: yes.
Comment: This variant was determined to be of uncertain significance according to ACMG Guidelines, 2015 [PMID:25741868].

PreventionGenetics, part of Exact Sciences
Classification: Uncertain significance for PFKM-related condition. Last evaluated: 2024-03-06. Review status: no assertion criteria provided. Collection method: clinical testing. Allele origin: germline. Not counted in ClinVar's aggregate classification.
Comment: The PFKM c.1727A>T variant is predicted to result in the amino acid substitution p.Tyr576Phe. To our knowledge, this variant has not been reported in the literature. This variant is reported in 0.043% of alleles in individuals of European (Non-Finnish) descent in gnomAD. At this time, the clinical significance of this variant is uncertain due to the absence of conclusive functional and genetic evidence.

Natera, Inc.
Classification: Uncertain significance for Glycogen storage disease type VII. Last evaluated: 2020-01-24. Review status: no assertion criteria provided. Collection method: clinical testing. Allele origin: germline. Not counted in ClinVar's aggregate classification.

NM_000289.6(PFKM):c.1727A>T (p.Tyr576Phe)

Gene: PFKM (phosphofructokinase, muscle; plus strand). Cytogenetic location: 12q13.11.
Variant type: single nucleotide variant.
Coding change: c.1727A>T on transcript NM_000289.6 (MANE Select); coding-DNA position 1727, A replaced by T.
Protein change: p.Tyr576Phe; replaces tyrosine 576 with phenylalanine.
Molecular consequence: missense variant. On other transcripts: non-coding transcript variant (6).
Genome position (GRCh38, 1-based): chr12:48,142,855, A>T. VCF-style: chr12-48142855-A-T. GRCh37 (hg19) VCF-style: chr12-48536638-A-T.
Other names: c.1940A>T, p.Tyr647Phe (NM_001166686.2, NM_001354737.1, NM_001354738.1 and 1 more transcripts); c.1727A>T, p.Tyr576Phe (NM_001166687.2, NM_001166688.2, NM_001354742.2 and 2 more transcripts); c.2036A>T, p.Tyr679Phe (NM_001354735.1, NM_001354736.1); c.1871A>T, p.Tyr624Phe (NM_001354740.1); c.1751A>T, p.Tyr584Phe (NM_001354741.2); c.1640A>T, p.Tyr547Phe (NM_001354745.2); c.1601A>T, p.Tyr534Phe (NM_001354746.2); c.1577A>T, p.Tyr526Phe (NM_001354747.2, NM_001354748.2); and 1 more; short protein forms Y584F, Y547F, Y624F, Y679F, Y534F, Y545F, Y647F, Y526F.
Identifiers: ClinVar variation 646354 (VCV000646354.10), dbSNP rs370424471, ClinGen allele CA6537430.
Genomic context (GRCh38, chr12:48,142,855, plus strand): 5'-TCAAGCAGTCAGCAGCTGGCACCAAGCGTCGGGTGTTTATCATTGAGACTATGGGTGGCT[A>T]CTGTGGCTACCTGGCTACCATGGCTGGACTGGCAGCTGGGGCCGATGCTGCCTACATTTT-3'
Protein context (NP_000280.1, residues 566-586): RVFIIETMGG[Tyr576Phe]CGYLATMAGL